The following is an entry in ClinVar:

ClinVar aggregate classification (germline): Uncertain significance. Review status: criteria provided, multiple submitters, no conflicts (2 of 4 stars). 2 submissions from 2 submitters: Uncertain significance (2). Last evaluated 2025-10-21.

Conditions:
Hereditary cancer-predisposing syndrome. Also called: Neoplastic Syndromes, Hereditary; Tumor predisposition; Hereditary neoplastic syndrome; Hereditary Cancer Syndrome. Identifiers: Orphanet 140162, MedGen C0027672, MeSH D009386, MONDO:0015356.

Submissions (2):

Ambry Genetics
Classification: Uncertain significance for Hereditary cancer-predisposing syndrome. Last evaluated: 2025-10-21. Review status: criteria provided, single submitter. Criteria: Ambry Variant Classification Scheme 2023. Collection method: clinical testing. Allele origin: germline.
Comment: The p.K792E variant (also known as c.2374A>G), located in coding exon 21 of the POLE gene, results from an A to G substitution at nucleotide position 2374. The lysine at codon 792 is replaced by glutamic acid, an amino acid with similar properties. This amino acid position is highly conserved in available vertebrate species. In addition, this alteration is predicted to be tolerated by in silico analysis. Based on the available evidence, the clinical significance of this variant remains unclear.

Labcorp Genetics (formerly Invitae), Labcorp
Classification: Uncertain significance. Last evaluated: 2024-12-19. Review status: criteria provided, single submitter. Criteria: Invitae Variant Classification Sherloc (09022015). Collection method: clinical testing. Allele origin: germline.
Comment: This sequence change replaces lysine, which is basic and polar, with glutamic acid, which is acidic and polar, at codon 792 of the POLE protein (p.Lys792Glu). This variant is not present in population databases (gnomAD no frequency). This variant has not been reported in the literature in individuals affected with POLE-related conditions. ClinVar contains an entry for this variant (Variation ID: 568593). Invitae Evidence Modeling of protein sequence and biophysical properties (such as structural, functional, and spatial information, amino acid conservation, physicochemical variation, residue mobility, and thermodynamic stability) indicates that this missense variant is not expected to disrupt POLE protein function with a negative predictive value of 80%. In summary, the available evidence is currently insufficient to determine the role of this variant in disease. Therefore, it has been classified as a Variant of Uncertain Significance.

NM_006231.4(POLE):c.2374A>G (p.Lys792Glu)

Gene: POLE (DNA polymerase epsilon, catalytic subunit; minus strand). Cytogenetic location: 12q24.33.
Variant type: single nucleotide variant.
Coding change: c.2374A>G on transcript NM_006231.4 (MANE Select); coding-DNA position 2374, A replaced by G.
Protein change: p.Lys792Glu; replaces lysine 792 with glutamic acid.
Molecular consequence: missense variant.
Genome position (GRCh38, 1-based): chr12:132,665,396, T>C on the plus strand (A>G on the coding strand, the complement: POLE is on the minus strand). VCF-style: chr12-132665396-T-C. GRCh37 (hg19) VCF-style: chr12-133241982-T-C.
Other names: c.2374A>G (NM_006231.2); short protein forms K792E.
Identifiers: ClinVar variation 568593 (VCV000568593.11), dbSNP rs1565962393, ClinGen allele CA387397571.